The following is an entry in ClinVar:

NM_005660.3(SLC35A2):c.685G>A (p.Gly229Ser)

Gene: SLC35A2 (solute carrier family 35 member A2; minus strand). Cytogenetic location: Xp11.23.
Variant type: single nucleotide variant.
Coding change: c.685G>A on transcript NM_005660.3 (MANE Select); coding-DNA position 685, G replaced by A.
Protein change: p.Gly229Ser; replaces glycine 229 with serine.
Molecular consequence: missense variant. On other transcripts: intron variant (3).
Genome position (GRCh38, 1-based): chrX:48,905,224, C>T on the plus strand (G>A on the coding strand, the complement: SLC35A2 is on the minus strand). VCF-style: chrX-48905224-C-T. GRCh37 (hg19) VCF-style: chrX-48762501-C-T.
Other names: c.685G>A, p.Gly229Ser (NM_001042498.3); c.502G>A, p.Gly168Ser (NM_001282649.2); c.724G>A, p.Gly242Ser (NM_001282650.2); c.769G>A, p.Gly257Ser (NM_001282651.2); c.427-332G>A (NM_001282647.2, NM_001032289.3); c.355-332G>A (NM_001282648.2); short protein forms G242S, G229S, G257S, G168S.
Identifiers: ClinVar variation 1449930 (VCV001449930.6), dbSNP rs2063481208, ClinGen allele CA412895437.
Genomic context (GRCh38, chrX:48,905,224, plus strand): 5'-CCACCAGGCCCAGTGCTGTGCCGAAGAGGCCCAGTTGCAGGTTGCGCAGCCACACGGAGC[C>T]TGAGCTGCCTTTGAGGATCTTCTCAAAGTAGACACCTGCGAAGCCGGAGGAGAGACAGGA-3'
Protein context (NP_005651.1, residues 219-239): YFEKILKGSS[Gly229Ser]SVWLRNLQLG

ClinVar aggregate classification (germline): Uncertain significance (1 of 4 stars; one submission).

Conditions:
SLC35A2-congenital disorder of glycosylation. Also called: DEVELOPMENTAL AND EPILEPTIC ENCEPHALOPATHY 22; SLC35A2-CDG; EPILEPTIC ENCEPHALOPATHY, EARLY INFANTILE, 22; CONGENITAL DISORDER OF GLYCOSYLATION, TYPE IIm; CDG IIm; CONGENITAL DISORDER OF GLYCOSYLATION, TYPE IIm, SOMATIC MOSAIC. Identifiers: Orphanet 356961, MedGen C3806688, MONDO:0010478, OMIM 300896.

Submission:

Labcorp Genetics (formerly Invitae), Labcorp
Classification: Uncertain significance for SLC35A2-congenital disorder of glycosylation. Last evaluated: 2025-09-07. Review status: criteria provided, single submitter. Criteria: Invitae Variant Classification Sherloc (09022015). Collection method: clinical testing. Allele origin: germline.
Comment: This sequence change replaces glycine, which is neutral and non-polar, with serine, which is neutral and polar, at codon 229 of the SLC35A2 protein (p.Gly229Ser). This variant is not present in population databases (gnomAD no frequency). This variant has not been reported in the literature in individuals affected with SLC35A2-related conditions. ClinVar contains an entry for this variant (Variation ID: 1449930). Invitae Evidence Modeling of protein sequence and biophysical properties (such as structural, functional, and spatial information, amino acid conservation, physicochemical variation, residue mobility, and thermodynamic stability) indicates that this missense variant is not expected to disrupt SLC35A2 protein function with a negative predictive value of 80%. In summary, the available evidence is currently insufficient to determine the role of this variant in disease. Therefore, it has been classified as a Variant of Uncertain Significance.